The following is an entry in ClinVar:

ClinVar aggregate classification (germline): Uncertain significance (1 of 4 stars; one submission).

gnomAD v4.1: 2 of 1,614,068 alleles (0.00012%); highest among the groups gnomAD compares: Non-Finnish European, 0.00017%; no homozygotes.

Submission:

Labcorp Genetics (formerly Invitae), Labcorp
Classification: Uncertain significance. Last evaluated: 2025-03-12. Review status: criteria provided, single submitter. Criteria: Invitae Variant Classification Sherloc (09022015). Collection method: clinical testing. Allele origin: germline.
Comment: This sequence change replaces leucine, which is neutral and non-polar, with phenylalanine, which is neutral and non-polar, at codon 238 of the ABCB4 protein (p.Leu238Phe). This variant is not present in population databases (gnomAD no frequency). This variant has not been reported in the literature in individuals affected with ABCB4-related conditions. Invitae Evidence Modeling of protein sequence and biophysical properties (such as structural, functional, and spatial information, amino acid conservation, physicochemical variation, residue mobility, and thermodynamic stability) indicates that this missense variant is not expected to disrupt ABCB4 protein function with a negative predictive value of 80%. In summary, the available evidence is currently insufficient to determine the role of this variant in disease. Therefore, it has been classified as a Variant of Uncertain Significance.

NM_000443.4(ABCB4):c.712C>T (p.Leu238Phe)

Gene: ABCB4 (ATP binding cassette subfamily B member 4; minus strand). Cytogenetic location: 7q21.12.
Variant type: single nucleotide variant.
Coding change: c.712C>T on transcript NM_000443.4 (MANE Select); coding-DNA position 712, C replaced by T.
Protein change: p.Leu238Phe; replaces leucine 238 with phenylalanine.
Molecular consequence: missense variant.
Genome position (GRCh38, 1-based): chr7:87,450,089, G>A on the plus strand (C>T on the coding strand, the complement: ABCB4 is on the minus strand). VCF-style: chr7-87450089-G-A. GRCh37 (hg19) VCF-style: chr7-87079405-G-A.
Other names: c.712C>T, p.Leu238Phe (NM_018849.3, NM_018850.3); short protein forms L238F.
Identifiers: ClinVar variation 4773544 (VCV004773544.1).